The following is an entry in ClinVar:

ClinVar aggregate classification (germline): Pathogenic/Likely pathogenic. Review status: criteria provided, multiple submitters, no conflicts (2 of 4 stars). 21 submissions from 20 submitters: Pathogenic (11); Likely pathogenic (7). 3 of the submissions do not count toward it. Last evaluated 2026-07-07.

Conditions:
MUTYH-related disorder. Also called: MUTYH-related condition; MUTYH-related disorders.
Hereditary cancer-predisposing syndrome. Also called: Hereditary neoplastic syndrome; Tumor predisposition; Neoplastic Syndromes, Hereditary; Hereditary Cancer Syndrome. Identifiers: Orphanet 140162, MedGen C0027672, MeSH D009386, MONDO:0015356.
Gastric cancer. Also called: Malignant tumor of stomach; Stomach cancer. Identifiers: MedGen C0024623, MeSH D013274, MONDO:0001056, OMIM 613659, HP:0012126.
Carcinoma of colon (CRC). Also called: Colon carcinoma; Colonic carcinoma. Identifiers: MedGen C0699790, MONDO:0002032.
Familial adenomatous polyposis 2. Also called: Adenomas, multiple colorectal; MUTYH-related attenuated familial adenomatous polyposis; MUTYH Polyposis; COLORECTAL ADENOMATOUS POLYPOSIS, AUTOSOMAL RECESSIVE; ADENOMAS, MULTIPLE COLORECTAL, AUTOSOMAL RECESSIVE; MYH-associated polyposis. Identifiers: Orphanet 220460, Orphanet 247798, MedGen C3272841, MONDO:0012041, OMIM 608456.

Allele frequency attached by ClinVar (database versions not stated): gnomAD exomes 0.00003 and 0.00004; gnomAD 0.00004 and 0.00005; TOPMed 0.00004; ExAC 0.00005.

Submissions 1 to 8 of 21:

PreventionGenetics, part of Exact Sciences
Classification: Likely pathogenic for MUTYH-related condition. Last evaluated: 2026-07-07. Review status: criteria provided, single submitter. Criteria: ACMG Guidelines, 2015. Collection method: clinical testing. Allele origin: germline.
Comment: The MUTYH c.325C>T variant is predicted to result in the amino acid substitution p.Arg109Trp. This variant is alternatively referred to as (c.241C>T, p.Arg81Trp) in the literature. It has been reported along with a second pathogenic variant in an individual with MUTYH-associated polyposis and early-onset colorectal carcinoma (Table S1, Vogt et al. 2009. PubMed ID: 19732775; Nielsen et al. 2009. PubMed ID: 19032956) and in an individual undergoing testing for Lynch syndrome (Table S1, Yurgelun et al. 2015. PubMed ID: 25980754). It has been reported in the heterozygous state without a second pathogenic variant in an individual with early-onset colorectal cancer (Shinmura et al. 2014. PubMed ID: 24799981). In vitro functional studies demonstrated normal protein expression and cellular localization; however, this study also showed drastically reduced DNA glycosylase activity and ability to suppress mutations (Shinmura et al. 2014. PubMed ID: 24799981). This variant is reported in 0.0065% of alleles in individuals of South Asian descent in gnomAD and has been interpreted as likely pathogenic/pathogenic in the ClinVar database (Variation ID: 183896). This variant is interpreted as likely pathogenic.

Dasa
Classification: Pathogenic. Last evaluated: 2026-03-04. Review status: criteria provided, single submitter. Criteria: DASA Assertion Criteria. Collection method: clinical testing. Allele origin: germline.
Comment: NM_001048174.2(MUTYH):c.241C>T (p.Arg81Trp) is a missense variant that results in the substitution of arginine with tryptophan. Functional evidence supports a deleterious effect on the gene or gene product (PMID: 24799981; PMID: 30604180; PMID: 19732775; PMID: 25980754). This variant has been recurrently observed in individuals with related phenotype (PMID: 24799981; PMID: 30604180; PMID: 19732775; PMID: 25980754). Multiple computational predictions support a deleterious effect on the gene or gene product. The variant is present at low frequency in population datasets. Based on the available data, this variant is classified as pathogenic.

Labcorp Genetics (formerly Invitae), Labcorp
Classification: Pathogenic for Familial adenomatous polyposis 2. Last evaluated: 2026-01-04. Review status: criteria provided, single submitter. Criteria: Invitae Variant Classification Sherloc (09022015). Collection method: clinical testing. Allele origin: germline.
Comment: This sequence change replaces arginine, which is basic and polar, with tryptophan, which is neutral and slightly polar, at codon 109 of the MUTYH protein (p.Arg109Trp). This variant is present in population databases (rs765123255, gnomAD 0.006%). This missense change has been observed in individual(s) with early-onset colorectal cancer, MUTYH-associated polyposis, and/or suspected Lynch syndrome (PMID: 19732775, 21520333, 24799981, 25980754). In at least one individual the data is consistent with being in trans (on the opposite chromosome) from a pathogenic variant. ClinVar contains an entry for this variant (Variation ID: 183896). An algorithm developed to predict the effect of missense changes on protein structure and function (PolyPhen-2) suggests that this variant is likely to be disruptive. Experimental studies have shown that this missense change affects MUTYH function (PMID: 24799981). For these reasons, this variant has been classified as Pathogenic.

Genomic Medicine Center of Excellence, King Faisal Specialist Hospital and Research Centre
Classification: Pathogenic for Familial adenomatous polyposis 2. Last evaluated: 2025-09-10. Review status: criteria provided, single submitter. Criteria: ACMG Guidelines, 2015. Collection method: clinical testing. Allele origin: germline.

Ambry Genetics
Classification: Pathogenic for Hereditary cancer-predisposing syndrome. Last evaluated: 2025-09-03. Review status: criteria provided, single submitter. Criteria: Ambry Variant Classification Scheme 2023. Collection method: clinical testing. Allele origin: germline.
Comment: The p.R109W variant (also known as c.325C>T), located in coding exon 3 of the MUTYH gene, results from a C to T substitution at nucleotide position 325. The arginine at codon 109 is replaced by tryptophan, an amino acid with dissimilar properties. This alteration has been identified, in conjunction with a pathogenic MUTYH mutation, in multiple patients with colorectal cancer and/or polyposis (Vogt et al. Gastroenterology. 2009;137:1976&ndash;1985; Yurgelun MB et al. Gastroenterology 2015 Sep;149:604-13.e20; Church J et al. Dis. Colon Rectum, 2016 Jun;59:565; Ambry internal data). This amino acid position is highly conserved in available vertebrate species. In addition, this alteration is predicted to be deleterious by in silico analysis. Based on the supporting evidence, this alteration is interpreted as a disease-causing mutation.

Molecular Diagnostics Laboratory, Catalan Institute of Oncology
Classification: Likely pathogenic for Hereditary cancer-predisposing syndrome. Last evaluated: 2025-05-22. Review status: criteria provided, single submitter. Criteria: ACMG Guidelines, 2015. Collection method: clinical testing. Allele origin: germline.
Comment: PM3_Strong, PP3_Moderate c.325C>T is located in exon3 of theMUTYH gene,ispredicted to result in thesubstitution of arginine by tryptophan atcodon109, p.(Arg109Trp).This variant is found in 7/118164 with an filter allele frequency of 0.002% in the gnomAD v2.1.1 database (European non-Finnish non-cancer data set). The SpliceAI algorithm predicts no significant impact on splicing and the REVEL meta-predictor score for this variant (0.818) suggests a deleterious effect on protein function according to Pejaver 2022 thresholds (PMID: 36413997)(PP3_Moderate). This variation has been observed in compound heterozygous state in multiple individuals with MUTYH-Associated Polyposis (PMID: 19732775, 19527492, 19394335, 27145315, 30604180 and internal data)(PM3_Strong).To our knowledge, functional studies have not been reported for this variant. This variant has been reported in the ClinVar database (8x pathogenic, 5x likely pathogenic) and in LOVD database (3x pathogenic, 3x likely pathogenic, 3x uncertain significance, 2x not classified). Based on currently available information, the variant c.325C>T is classified as a likely pathogenic variant according to ACMG guidelines."

Color Diagnostics, LLC DBA Color Health
Classification: Pathogenic for Hereditary cancer-predisposing syndrome. Last evaluated: 2025-03-17. Review status: criteria provided, single submitter. Criteria: ACMG Guidelines, 2015. Collection method: clinical testing. Allele origin: germline.
Comment: This missense variant replaces arginine with tryptophan at codon 109 of the MUTYH protein. Computational prediction suggests that this variant may have deleterious impact on protein structure and function. A functional study has shown that this variant disrupts the DNA glycosylase activity of the MUTYH protein and its ability to suppress mutations (PMID: 24799981). This variant has been reported in the compound heterozygous state in three individuals affected with MUTYH-associated polyposis and colorectal cancer (PMID: 19394335, 19527492, 19732775; ClinVar SCV000517270.5) and in an individual suspected of having Lynch syndrome (PMID: 25980754). This variant has also been observed in a heterozygous individual affected with early-onset colorectal cancer (PMID: 24799981). This variant has been identified in 11/282856 chromosomes in the general population by the Genome Aggregation Database (gnomAD). Based on the available evidence, this variant is classified as Pathogenic.

Blueprint Genetics
Classification: Pathogenic for MUTYH-related disorders. Last evaluated: 2024-07-25. Review status: criteria provided, single submitter. Criteria: ACMG Guidelines, 2015. Collection method: clinical testing. Allele origin: germline. Affected: yes. Observed: 1 variant allele.

NM_001048174.2(MUTYH):c.241C>T (p.Arg81Trp)

Gene: MUTYH (mutY DNA glycosylase; minus strand). Cytogenetic location: 1p34.1.
Variant type: single nucleotide variant.
Coding change: c.241C>T on transcript NM_001048174.2 (MANE Select); coding-DNA position 241, C replaced by T.
Protein change: p.Arg81Trp; replaces arginine 81 with tryptophan.
Molecular consequence: missense variant. On other transcripts: 5 prime UTR variant (4), non-coding transcript variant (2).
Genome position (GRCh38, 1-based): chr1:45,333,436, G>A on the plus strand (C>T on the coding strand, the complement: MUTYH is on the minus strand). VCF-style: chr1-45333436-G-A. GRCh37 (hg19) VCF-style: chr1-45799108-G-A.
Other names: c.241C>T, p.Arg81Trp (NM_001048171.2, NM_001048173.2, NM_001293195.2); c.244C>T, p.Arg82Trp (NM_001048172.2); c.325C>T, p.Arg109Trp (NM_001128425.2); c.286C>T, p.Arg96Trp (NM_001293190.2); c.274C>T, p.Arg92Trp (NM_001293191.2); c.-36C>T (NM_001293192.2, NM_001293196.2); c.-31C>T (NM_001350650.2, NM_001350651.2); c.316C>T, p.Arg106Trp (NM_012222.3); short protein forms R109W, R95W, R96W, R106W, R81W, R82W, R92W.
Identifiers: ClinVar variation 183896 (VCV000183896.60), dbSNP rs765123255, ClinGen allele CA013370.